The following is an entry in ClinVar:

NM_001853.4(COL9A3):c.13C>T (p.Arg5Cys)

Gene: COL9A3 (collagen type IX alpha 3 chain; plus strand). Cytogenetic location: 20q13.33.
Variant type: single nucleotide variant.
Coding change: c.13C>T on transcript NM_001853.4 (MANE Select); coding-DNA position 13, C replaced by T.
Protein change: p.Arg5Cys; replaces arginine 5 with cysteine.
Molecular consequence: missense variant.
Genome position (GRCh38, 1-based): chr20:62,817,077, C>T. VCF-style: chr20-62817077-C-T. GRCh37 (hg19) VCF-style: chr20-61448429-C-T.
Other names: short protein forms R5C.
Identifiers: ClinVar variation 1315133 (VCV001315133.7), dbSNP rs890399221, ClinGen allele CA409586708.

ClinVar aggregate classification (germline): Uncertain significance. Review status: criteria provided, multiple submitters, no conflicts (2 of 4 stars). 2 submissions from 2 submitters: Uncertain significance (2). Last evaluated 2025-03-31.

Allele frequency attached by ClinVar (database versions not stated): gnomAD exomes below 0.00001; gnomAD 0.00001.

Submissions (2):

Labcorp Genetics (formerly Invitae), Labcorp
Classification: Uncertain significance. Last evaluated: 2025-03-31. Review status: criteria provided, single submitter. Criteria: Invitae Variant Classification Sherloc (09022015). Collection method: clinical testing. Allele origin: germline.
Comment: This sequence change replaces arginine, which is basic and polar, with cysteine, which is neutral and slightly polar, at codon 5 of the COL9A3 protein (p.Arg5Cys). This variant is present in population databases (no rsID available, gnomAD 0.02%). This variant has not been reported in the literature in individuals affected with COL9A3-related conditions. ClinVar contains an entry for this variant (Variation ID: 1315133). Invitae Evidence Modeling of protein sequence and biophysical properties (such as structural, functional, and spatial information, amino acid conservation, physicochemical variation, residue mobility, and thermodynamic stability) indicates that this missense variant is not expected to disrupt COL9A3 protein function with a negative predictive value of 95%. In summary, the available evidence is currently insufficient to determine the role of this variant in disease. Therefore, it has been classified as a Variant of Uncertain Significance.

GeneDx
Classification: Uncertain significance. Last evaluated: 2020-02-06. Review status: criteria provided, single submitter. Criteria: GeneDx Variant Classification Process June 2021. Collection method: clinical testing. Allele origin: germline. Affected: yes.
Comment: Has not been previously published as pathogenic or benign to our knowledge; In silico analysis supports that this missense variant does not alter protein structure/function